The following is an entry in ClinVar:

ClinVar aggregate classification (germline): Uncertain significance (1 of 4 stars; one submission).

Allele frequency attached by ClinVar (database versions not stated): gnomAD 0.00001.
gnomAD v4.1: 2 of 1,613,816 alleles (0.00012%); highest among the groups gnomAD compares: Non-Finnish European, 0.00017%; no homozygotes.

Submission:

Mayo Clinic Laboratories, Mayo Clinic
Classification: Uncertain significance. Last evaluated: 2023-01-18. Review status: criteria provided, single submitter. Criteria: ACMG Guidelines, 2015. Collection method: clinical testing. Allele origin: germline. Observed: 1 variant allele.
Comment: BP4, PM2

NM_003126.4(SPTA1):c.3700C>T (p.Pro1234Ser)

Gene: SPTA1 (spectrin alpha, erythrocytic 1; minus strand). Cytogenetic location: 1q23.1.
Variant type: single nucleotide variant.
Coding change: c.3700C>T on transcript NM_003126.4 (MANE Select); coding-DNA position 3700, C replaced by T.
Protein change: p.Pro1234Ser; replaces proline 1234 with serine.
Molecular consequence: missense variant.
Genome position (GRCh38, 1-based): chr1:158,648,523, G>A on the plus strand (C>T on the coding strand, the complement: SPTA1 is on the minus strand). VCF-style: chr1-158648523-G-A. GRCh37 (hg19) VCF-style: chr1-158618313-G-A.
Other names: p.Pro1234Ser; short protein forms P1234S.
Identifiers: ClinVar variation 2682668 (VCV002682668.1), dbSNP rs1337317087, ClinGen allele CA343034915.
Genomic context (GRCh38, chr1:158,648,523, plus strand): 5'-ATATAGACTGGAAAGTGTTGGAAAAGCTTTGAAGGACTTGTCTCACCTTATCTCCCAGGG[G>A]TACGAGGTCCCTTTCAAAGCCCTCATGCCGTCGCTGAAGAGCCTGAACACTGAACAGATC-3'
Protein context (NP_003117.2, residues 1224-1244): RHEGFERDLV[Pro1234Ser]LGDKVTILGE